The following is an entry in ClinVar:

ClinVar aggregate classification (germline): Uncertain significance (1 of 4 stars; one submission).

Conditions:
Spastic paraplegia. Identifiers: MedGen C0037772, HP:0001258.

Allele frequency attached by ClinVar (database versions not stated): gnomAD exomes below 0.00001.
gnomAD v4.1: 1 of 1,613,446 alleles (0.000062%); no homozygotes.

Submission:

Labcorp Genetics (formerly Invitae), Labcorp
Classification: Uncertain significance for Spastic paraplegia. Last evaluated: 2022-02-21. Review status: criteria provided, single submitter. Criteria: Invitae Variant Classification Sherloc (09022015). Collection method: clinical testing. Allele origin: germline.
Comment: In summary, the available evidence is currently insufficient to determine the role of this variant in disease. Therefore, it has been classified as a Variant of Uncertain Significance. Variants that disrupt the consensus splice site are a relatively common cause of aberrant splicing (PMID: 17576681, 9536098). Algorithms developed to predict the effect of sequence changes on RNA splicing suggest that this variant may disrupt the consensus splice site. This variant has not been reported in the literature in individuals affected with GBA2-related conditions. This variant is not present in population databases (gnomAD no frequency). This sequence change falls in intron 13 of the GBA2 gene. It does not directly change the encoded amino acid sequence of the GBA2 protein. It affects a nucleotide within the consensus splice site.

Literature cited by the submitters: PubMed 17576681; PubMed 9536098.

NM_020944.3(GBA2):c.2055-3C>A

Gene: GBA2 (glucosylceramidase beta 2; minus strand). Cytogenetic location: 9p13.3.
Variant type: single nucleotide variant.
Coding change: c.2055-3C>A on transcript NM_020944.3 (MANE Select); 3 bases into the intron before coding-DNA position 2055, C replaced by A.
Molecular consequence: intron variant.
Genome position (GRCh38, 1-based): chr9:35,738,377, G>T on the plus strand (C>A on the coding strand, the complement: GBA2 is on the minus strand). VCF-style: chr9-35738377-G-T. GRCh37 (hg19) VCF-style: chr9-35738374-G-T.
Other names: c.2055-3C>A (NM_001330660.2).
Identifiers: ClinVar variation 2100810 (VCV002100810.4), dbSNP rs2490845033, ClinGen allele CA2580080456.
Genomic context (GRCh38, chr9:35,738,377, plus strand): 5'-AGCAGCCATCTGGACCATCACAGCCACAGCTGCCAGCCACAGCCCTCCACAGTAAGCACT[G>T]ATCAGGGACATGGGTTTGGGGGTCAGACTGGCAGCTCCAGCTGCTCCCATGCCGTGTAAT-3'